The following is an entry in ClinVar:

NM_001109809.5(ZFP57):c.869A>G (p.Asn290Ser)

Gene: ZFP57 (ZFP57 zinc finger protein; minus strand). Cytogenetic location: 6p22.1.
Variant type: single nucleotide variant.
Coding change: c.869A>G on transcript NM_001109809.5 (MANE Select); coding-DNA position 869, A replaced by G.
Protein change: p.Asn290Ser; replaces asparagine 290 with serine.
Molecular consequence: missense variant.
Genome position (GRCh38, 1-based): chr6:29,673,242, T>C on the plus strand (A>G on the coding strand, the complement: ZFP57 is on the minus strand). VCF-style: chr6-29673242-T-C. GRCh37 (hg19) VCF-style: chr6-29641019-T-C.
Other names: c.653A>G, p.Asn218Ser (NM_001366333.2); short protein forms N218S, N290S.
Identifiers: ClinVar variation 1394640 (VCV001394640.8), dbSNP rs1020677270, ClinGen allele CA135980955.

ClinVar aggregate classification (germline): Uncertain significance (1 of 4 stars; one submission).

Allele frequency attached by ClinVar (database versions not stated): TOPMed below 0.00001; gnomAD 0.00001; gnomAD exomes 0.00001.
gnomAD v4.1: 4 of 1,613,064 alleles (0.00025%); highest among the groups gnomAD compares: Admixed American, 0.005%; no homozygotes.

Submission:

Labcorp Genetics (formerly Invitae), Labcorp
Classification: Uncertain significance. Last evaluated: 2022-01-06. Review status: criteria provided, single submitter. Criteria: Invitae Variant Classification Sherloc (09022015). Collection method: clinical testing. Allele origin: germline.
Comment: This variant has not been reported in the literature in individuals affected with ZFP57-related conditions. This sequence change replaces asparagine, which is neutral and polar, with serine, which is neutral and polar, at codon 290 of the ZFP57 protein (p.Asn290Ser). This variant is present in population databases (no rsID available, gnomAD 0.009%). Algorithms developed to predict the effect of missense changes on protein structure and function output the following: SIFT: "Not Available"; PolyPhen-2: "Possibly Damaging"; Align-GVGD: "Not Available". The serine amino acid residue is found in multiple mammalian species, which suggests that this missense change does not adversely affect protein function. In summary, the available evidence is currently insufficient to determine the role of this variant in disease. Therefore, it has been classified as a Variant of Uncertain Significance.